The following is an entry in ClinVar:

NM_004415.4(DSP):c.7183G>A (p.Gly2395Ser)

Gene: DSP (desmoplakin; plus strand). Cytogenetic location: 6p24.3.
Variant type: single nucleotide variant.
Coding change: c.7183G>A on transcript NM_004415.4 (MANE Select); coding-DNA position 7183, G replaced by A.
Protein change: p.Gly2395Ser; replaces glycine 2395 with serine.
Molecular consequence: missense variant.
Genome position (GRCh38, 1-based): chr6:7,584,445, G>A. VCF-style: chr6-7584445-G-A. GRCh37 (hg19) VCF-style: chr6-7584678-G-A.
Other names: c.5386G>A, p.Gly1796Ser (NM_001008844.3); c.5854G>A, p.Gly1952Ser (NM_001319034.2); short protein forms G2395S, G1796S, G1952S.
Identifiers: ClinVar variation 2936049 (VCV002936049.5), dbSNP rs2533944354, ClinGen allele CA362692418.

ClinVar aggregate classification (germline): Uncertain significance. Review status: criteria provided, multiple submitters, no conflicts (2 of 4 stars). 3 submissions from 3 submitters: Uncertain significance (3). Last evaluated 2025-06-24.

Conditions:
Arrhythmogenic cardiomyopathy with wooly hair and keratoderma. Also called: Arrhythmogenic cardiomyopathy with woolly hair and keratoderma; PALMOPLANTAR KERATODERMA WITH LEFT VENTRICULAR CARDIOMYOPATHY AND WOOLLY HAIR; Carvajal syndrome; Dilated cardiomyopathy with woolly hair and keratoderma. Identifiers: Orphanet 65282, MedGen C1854063, MONDO:0011581, OMIM 605676.
Arrhythmogenic right ventricular dysplasia 8 (ARVD8). Also called: Arrhythmogenic Right Ventricular Dysplasia/Cardiomyopathy 8; ARRHYTHMOGENIC RIGHT VENTRICULAR DYSPLASIA, FAMILIAL, 8; ARRHYTHMOGENIC RIGHT VENTRICULAR CARDIOMYOPATHY 8. Identifiers: MedGen C1843896, MONDO:0011831, OMIM 607450.

Submissions (3):

GeneDx
Classification: Uncertain significance. Last evaluated: 2025-06-24. Review status: criteria provided, single submitter. Criteria: GeneDx Variant Classification Process June 2021. Collection method: clinical testing. Allele origin: germline. Affected: yes.
Comment: Not observed at significant frequency in large population cohorts (gnomAD); In silico analysis supports that this missense variant has a deleterious effect on protein structure/function; Has not been previously published as pathogenic or benign to our knowledge

Labcorp Genetics (formerly Invitae), Labcorp
Classification: Uncertain significance for Arrhythmogenic cardiomyopathy with wooly hair and keratoderma; Arrhythmogenic right ventricular dysplasia 8. Last evaluated: 2024-01-02. Review status: criteria provided, single submitter. Criteria: Invitae Variant Classification Sherloc (09022015). Collection method: clinical testing. Allele origin: germline.
Comment: This sequence change replaces glycine, which is neutral and non-polar, with serine, which is neutral and polar, at codon 2395 of the DSP protein (p.Gly2395Ser). This variant is not present in population databases (gnomAD no frequency). This variant has not been reported in the literature in individuals affected with DSP-related conditions. An algorithm developed to predict the effect of missense changes on protein structure and function (PolyPhen-2) suggests that this variant is likely to be disruptive. In summary, the available evidence is currently insufficient to determine the role of this variant in disease. Therefore, it has been classified as a Variant of Uncertain Significance.

All of Us Research Program, National Institutes of Health
Classification: Uncertain significance for Arrhythmogenic cardiomyopathy with wooly hair and keratoderma. Last evaluated: 2023-11-30. Review status: criteria provided, single submitter. Criteria: ACMG Guidelines, 2015. Collection method: clinical testing. Allele origin: germline. Inheritance: Autosomal dominant inheritance. Observed: 1 variant allele, 1 heterozygote.
Comment: This study involves interpretation of variants in research participants for the purpose of population health screening. Participant phenotype was not available at the time of variant classification. Additional details can be found in publication PMID: 35346344, PMCID: PMC8962531